The following is an entry in ClinVar:

NM_003072.5(SMARCA4):c.1626C>T (p.Ile542=)

Gene: SMARCA4 (SWI/SNF related BAF chromatin remodeling complex subunit ATPase 4; plus strand). Cytogenetic location: 19p13.2.
Variant type: single nucleotide variant.
Coding change: c.1626C>T on transcript NM_003072.5 (MANE Select); coding-DNA position 1626, C replaced by T.
Protein change: p.Ile542=; no amino-acid change (isoleucine 542 retained).
Molecular consequence: synonymous variant. On other transcripts: non-coding transcript variant (1).
Genome position (GRCh38, 1-based): chr19:10,996,245, C>T. VCF-style: chr19-10996245-C-T. GRCh37 (hg19) VCF-style: chr19-11106921-C-T.
Other names: c.1626C>T, p.Ile542= (NM_001128844.3, NM_001128845.2, NM_001128846.2 and 5 more transcripts).
Identifiers: ClinVar variation 415077 (VCV000415077.18), dbSNP rs771156293, ClinGen allele CA9203849.

ClinVar aggregate classification (germline): Benign/Likely benign. Review status: criteria provided, multiple submitters, no conflicts (2 of 4 stars). 4 submissions from 4 submitters: Benign (1); Likely benign (3). Last evaluated 2026-07-10.

Conditions:
Hereditary cancer-predisposing syndrome. Also called: Hereditary Cancer Syndrome; Hereditary neoplastic syndrome; Neoplastic Syndromes, Hereditary; Tumor predisposition. Identifiers: Orphanet 140162, MedGen C0027672, MeSH D009386, MONDO:0015356.
Rhabdoid tumor predisposition syndrome 2 (RTPS2). Identifiers: Orphanet 231108, Orphanet 69077, MedGen C2750074, MONDO:0013224, OMIM 613325.

Allele frequency attached by ClinVar (database versions not stated): gnomAD exomes 0.00001 and 0.00002; TOPMed below 0.00001; ExAC 0.00001.
gnomAD v4.1: 28 of 1,614,210 alleles (0.0017%); highest among the groups gnomAD compares: Non-Finnish European, 0.0021%; no homozygotes.

Submissions (4):

Myriad Genetics, Inc.
Classification: Benign for Rhabdoid tumor predisposition syndrome 2. Last evaluated: 2026-07-10. Review status: criteria provided, single submitter. Criteria: Myriad Autosomal Dominant, Autosomal Recessive and X-Linked Classification Criteria (2023). Collection method: clinical testing. Allele origin: unknown.
Comment: This variant is considered benign. This variant is a silent/synonymous amino acid change and it is not expected to impact splicing.

Labcorp Genetics (formerly Invitae), Labcorp
Classification: Likely benign for Rhabdoid tumor predisposition syndrome 2. Last evaluated: 2025-12-28. Review status: criteria provided, single submitter. Criteria: Invitae Variant Classification Sherloc (09022015). Collection method: clinical testing. Allele origin: germline.

Blueprint Genetics
Classification: Likely benign. Last evaluated: 2023-02-21. Review status: criteria provided, single submitter. Criteria: ACMG Guidelines, 2015. Collection method: clinical testing. Allele origin: germline.

Ambry Genetics
Classification: Likely benign for Hereditary cancer-predisposing syndrome. Last evaluated: 2016-02-09. Review status: criteria provided, single submitter. Criteria: Ambry Variant Classification Scheme 2023. Collection method: clinical testing. Allele origin: germline.